The following is an entry in ClinVar:

ClinVar aggregate classification (germline): Uncertain significance (1 of 4 stars; one submission).

Conditions:
Charcot-Marie-Tooth disease, type I (CMT1). Also called: Charcot-Marie-Tooth disease type 1; Charcot-Marie-Tooth, Type 1. Identifiers: Orphanet 65753, MedGen C0751036, MONDO:0019011.

Submission:

Labcorp Genetics (formerly Invitae), Labcorp
Classification: Uncertain significance for Charcot-Marie-Tooth disease, type I. Last evaluated: 2023-02-21. Review status: criteria provided, single submitter. Criteria: Invitae Variant Classification Sherloc (09022015). Collection method: clinical testing. Allele origin: germline.
Comment: This sequence change replaces isoleucine, which is neutral and non-polar, with asparagine, which is neutral and polar, at codon 8 of the PMP22 protein (p.Ile8Asn). This variant is not present in population databases (gnomAD no frequency). This variant has not been reported in the literature in individuals affected with PMP22-related conditions. Advanced modeling of protein sequence and biophysical properties (such as structural, functional, and spatial information, amino acid conservation, physicochemical variation, residue mobility, and thermodynamic stability) performed at Invitae indicates that this missense variant is not expected to disrupt PMP22 protein function. In summary, the available evidence is currently insufficient to determine the role of this variant in disease. Therefore, it has been classified as a Variant of Uncertain Significance.

NM_000304.4(PMP22):c.23T>A (p.Ile8Asn)

Gene: PMP22 (peripheral myelin protein 22; minus strand). Cytogenetic location: 17p12.
Variant type: single nucleotide variant.
Coding change: c.23T>A on transcript NM_000304.4 (MANE Select); coding-DNA position 23, T replaced by A.
Protein change: p.Ile8Asn; replaces isoleucine 8 with asparagine.
Molecular consequence: missense variant.
Genome position (GRCh38, 1-based): chr17:15,260,705, A>T on the plus strand (T>A on the coding strand, the complement: PMP22 is on the minus strand). VCF-style: chr17-15260705-A-T. GRCh37 (hg19) VCF-style: chr17-15164022-A-T.
Other names: c.23T>A, p.Ile8Asn (NM_001281455.2, NM_001281456.2, NM_001330143.2 and 2 more transcripts); short protein forms I8N.
Identifiers: ClinVar variation 2839368 (VCV002839368.3), dbSNP rs2508227523, ClinGen allele CA398271756.
Genomic context (GRCh38, chr17:15,260,705, plus strand): 5'-CTCACGCTGACGATCGTGGAGACGAACAGCAGCACCAGCACCGCGACGTGGAGGACGATG[A>T]TACTCAGCAACAGGAGGAGCATTCTGGCGGCAAGTTCTGCTCAGCGGAGTTTCTGCCTGC-3'
Protein context (NP_000295.1, residues 1-18): MLLLLLS[Ile8Asn]IVLHVAVLVL